The following is an entry in ClinVar:

NM_013450.4(BAZ2B):c.697-10_697-8del

Gene: BAZ2B (bromodomain adjacent to zinc finger domain 2B; minus strand). Cytogenetic location: 2q24.2.
Variant type: Deletion.
Coding change: c.697-10_697-8del on transcript NM_013450.4 (MANE Select); 10 bases into the intron before coding-DNA position 697 through 8 bases into the intron before coding-DNA position 697, 3 bases deleted (CGT; older notation c.697-10_697-8delCGT).
Molecular consequence: intron variant.
Genome position (GRCh38, 1-based): chr2:159,439,220-159,439,222, ACG deleted on the plus strand (CGT on the coding strand, the reverse complement: BAZ2B is on the minus strand); deleting any 3 consecutive bases within chr2:159,439,220-159,439,224 gives the same sequence; the c. name uses the placement nearest the transcript's 3' end. VCF-style (leftmost placement, unchanged base first): chr2-159439219-AACG-A. GRCh37 (hg19) VCF-style: chr2-160295730-AACG-A.
Other names: c.691-10_691-8del (NM_001289975.1); c.508-10_508-8del (NM_001329857.2); c.697-10_697-8del (NM_001329858.2); c.691-10_691-8delCGT (NM_001289975.1).
Identifiers: ClinVar variation 3057819 (VCV003057819.2), dbSNP rs570116535, ClinGen allele CA1925059.
Genomic context (GRCh38, chr2:159,439,219, plus strand): 5'-GCCTGAATCACTATCACTGTTGCTAGAACTTTCCATTGCTTTCTTCCTTGGTTTCTGGAT[AACG>A]ACAAGGTAGTTGGCAAGACTTTATTTTTGGAAAACATTCAAGTTTCAATAAAAGGTGTAC-3'

ClinVar aggregate classification (germline): Likely benign (0 of 4 stars; one submission).

Conditions:
BAZ2B-related disorder. Also called: BAZ2B-related condition.

Submission:

PreventionGenetics, part of Exact Sciences
Classification: Likely benign for BAZ2B-related condition. Last evaluated: 2024-02-21. Review status: no assertion criteria provided. Collection method: clinical testing. Allele origin: germline.
Comment: This variant is classified as likely benign based on ACMG/AMP sequence variant interpretation guidelines (Richards et al. 2015 PMID: 25741868, with internal and published modifications).